The following is an entry in ClinVar:

NM_018249.6(CDK5RAP2):c.3034C>G (p.Pro1012Ala)

Gene: CDK5RAP2 (CDK5 regulatory subunit associated protein 2; minus strand). Cytogenetic location: 9q33.2.
Variant type: single nucleotide variant.
Coding change: c.3034C>G on transcript NM_018249.6 (MANE Select); coding-DNA position 3034, C replaced by G.
Protein change: p.Pro1012Ala; replaces proline 1012 with alanine.
Molecular consequence: missense variant. On other transcripts: non-coding transcript variant (5).
Genome position (GRCh38, 1-based): chr9:120,443,734, G>C on the plus strand (C>G on the coding strand, the complement: CDK5RAP2 is on the minus strand). VCF-style: chr9-120443734-G-C. GRCh37 (hg19) VCF-style: chr9-123206012-G-C.
Other names: c.3034C>G, p.Pro1012Ala (NM_001011649.3); c.2344C>G, p.Pro782Ala (NM_001272039.2); short protein forms P1012A, P782A.
Identifiers: ClinVar variation 158137 (VCV000158137.14), dbSNP rs141496431, ClinGen allele CA271199.

ClinVar aggregate classification (germline): Conflicting classifications of pathogenicity. Review status: criteria provided, conflicting classifications (1 of 4 stars). 3 submissions from 3 submitters: Uncertain significance (1); Likely benign (1). 1 of the submissions does not count toward it. Last evaluated 2025-07-10.

Conditions:
CDK5RAP2-related disorder. Also called: CDK5RAP2-related condition.
Microcephaly 3, primary, autosomal recessive. Identifiers: Orphanet 2512, MedGen C1858108, MONDO:0011488, OMIM 604804.

Allele frequency attached by ClinVar (database versions not stated): 1000 Genomes Project 30x 0.00016; 1000 Genomes Project 0.00020; TOPMed 0.00029; ESP Exome Variant Server 0.00054; gnomAD 0.00073.
gnomAD v4.1: 318 of 1,614,004 alleles (0.02%); highest among the groups gnomAD compares: African/African-American, 0.089%; 1 homozygote.

Submissions (3):

Labcorp Genetics (formerly Invitae), Labcorp
Classification: Likely benign. Last evaluated: 2025-07-10. Review status: criteria provided, single submitter. Criteria: Invitae Variant Classification Sherloc (09022015). Collection method: clinical testing. Allele origin: germline.

Genetic Services Laboratory, University of Chicago
Classification: Uncertain significance for Microcephaly 3, primary, autosomal recessive. Last evaluated: 2014-06-26. Review status: criteria provided, single submitter. Criteria: ACMG Guidelines, 2015. Collection method: clinical testing. Allele origin: germline. Inheritance: Autosomal recessive inheritance.

PreventionGenetics, part of Exact Sciences
Classification: Likely benign for CDK5RAP2-related condition. Last evaluated: 2023-03-28. Review status: no assertion criteria provided. Collection method: clinical testing. Allele origin: germline. Not counted in ClinVar's aggregate classification.
Comment: This variant is classified as likely benign based on ACMG/AMP sequence variant interpretation guidelines (Richards et al. 2015 PMID: 25741868, with internal and published modifications).